The following is an entry in ClinVar:

NM_002230.4(JUP):c.1398C>A (p.His466Gln)

Gene: JUP (junction plakoglobin; minus strand). Cytogenetic location: 17q21.2.
Variant type: single nucleotide variant.
Coding change: c.1398C>A on transcript NM_002230.4 (MANE Select); coding-DNA position 1398, C replaced by A.
Protein change: p.His466Gln; replaces histidine 466 with glutamine.
Molecular consequence: missense variant.
Genome position (GRCh38, 1-based): chr17:41,763,082, G>T on the plus strand (C>A on the coding strand, the complement: JUP is on the minus strand). VCF-style: chr17-41763082-G-T. GRCh37 (hg19) VCF-style: chr17-39919334-G-T.
Other names: c.1398C>A, p.His466Gln (NM_001352773.2, NM_001352774.2, NM_001352775.2 and 3 more transcripts); short protein forms H466Q.
Identifiers: ClinVar variation 864175 (VCV000864175.1), dbSNP rs1555602097, ClinGen allele CA399496640.

ClinVar aggregate classification (germline): Uncertain significance (1 of 4 stars; one submission).

Conditions:
Naxos disease (NXD). Also called: KERATOSIS PALMOPLANTARIS WITH ARRHYTHMOGENIC CARDIOMYOPATHY; MAL DE NAXOS; PALMOPLANTAR KERATODERMA WITH ARRHYTHMOGENIC RIGHT VENTRICULAR CARDIOMYOPATHY AND WOOLLY HAIR; WOOLLY HAIR, PALMOPLANTAR KERATODERMA, AND CARDIAC ABNORMALITIES; CARDIOMYOPATHY, ARRHYTHMOGENIC RIGHT VENTRICULAR, WITH SKIN, HAIR, AND NAIL ABNORMALITIES. Identifiers: Orphanet 34217, MedGen C1832600, MONDO:0011017, OMIM 601214.
Arrhythmogenic right ventricular dysplasia 12. Also called: ARRHYTHMOGENIC RIGHT VENTRICULAR DYSPLASIA, FAMILIAL, 12. Identifiers: MedGen C1969081, MONDO:0012684, OMIM 611528.

gnomAD v4.1: 2 of 1,614,050 alleles (0.00012%); highest among the groups gnomAD compares: East Asian, 0.0022%; no homozygotes.

Submission:

Labcorp Genetics (formerly Invitae), Labcorp
Classification: Uncertain significance for Arrhythmogenic right ventricular cardiomyopathy, type 12; Naxos disease. Last evaluated: 2019-08-29. Review status: criteria provided, single submitter. Criteria: Invitae Variant Classification Sherloc (09022015). Collection method: clinical testing. Allele origin: germline.
Comment: This sequence change replaces histidine with glutamine at codon 466 of the JUP protein (p.His466Gln). The histidine residue is highly conserved and there is a small physicochemical difference between histidine and glutamine. This variant is not present in population databases (ExAC no frequency). This variant has not been reported in the literature in individuals with JUP-related conditions. Algorithms developed to predict the effect of missense changes on protein structure and function are either unavailable or do not agree on the potential impact of this missense change (SIFT: "Deleterious"; PolyPhen-2: "Probably Damaging"; Align-GVGD: "Class C0"). In summary, the available evidence is currently insufficient to determine the role of this variant in disease. Therefore, it has been classified as a Variant of Uncertain Significance.